The following is an entry in ClinVar:

NM_000038.6(APC):c.1433del (p.Leu478fs)

Gene: APC (APC regulator of Wnt signaling pathway; plus strand). Cytogenetic location: 5q22.2.
Variant type: Deletion.
Coding change: c.1433del on transcript NM_000038.6 (MANE Select); coding-DNA position 1433, one base deleted (T; older notation c.1433delT).
Protein change: p.Leu478fs; shifts the reading frame from leucine 478.
Molecular consequence: frameshift variant.
Genome position (GRCh38, 1-based): chr5:112,827,132, T deleted; the last of 2 consecutive T bases (chr5:112,827,131-112,827,132); deleting either gives the same sequence. VCF-style (leftmost placement, unchanged base first): chr5-112827130-AT-A. GRCh37 (hg19) VCF-style: chr5-112162827-AT-A.
Other names: c.1433del, p.Leu478fs (NM_001127510.3, NM_001354895.2); c.1379del, p.Leu460fs (NM_001127511.3); c.1487del, p.Leu496fs (NM_001354896.2); c.1463del, p.Leu488fs (NM_001354897.2); c.1358del, p.Leu453fs (NM_001354898.2); c.1349del, p.Leu450fs (NM_001354899.2); c.1310del, p.Leu437fs (NM_001354900.2); c.1256del, p.Leu419fs (NM_001354901.2); and 5 more; short protein forms L318fs, L387fs, L419fs, L450fs, L488fs, L195fs, L352fs, L377fs.
Identifiers: ClinVar variation 486782 (VCV000486782.13), dbSNP rs1240024893, ClinGen allele CA658655936.

ClinVar aggregate classification (germline): Pathogenic. Review status: criteria provided, multiple submitters, no conflicts (2 of 4 stars). 3 submissions from 3 submitters: Pathogenic (3). Last evaluated 2025-08-07.

Conditions:
Familial adenomatous polyposis 1 (FAP1). Also called: FAMILIAL ADENOMATOUS POLYPOSIS 1, ATTENUATED; POLYPOSIS, ADENOMATOUS INTESTINAL. Identifiers: MedGen C2713442, MONDO:0021056, OMIM 175100. Disease mechanism: loss of function.
Hereditary cancer-predisposing syndrome. Also called: Tumor predisposition; Hereditary Cancer Syndrome; Hereditary neoplastic syndrome; Neoplastic Syndromes, Hereditary. Identifiers: Orphanet 140162, MedGen C0027672, MeSH D009386, MONDO:0015356.

Submissions (3):

Ambry Genetics
Classification: Pathogenic for Hereditary cancer-predisposing syndrome. Last evaluated: 2025-08-07. Review status: criteria provided, single submitter. Criteria: Ambry Variant Classification Scheme 2023. Collection method: clinical testing. Allele origin: germline.
Comment: The c.1433delT pathogenic mutation, located in coding exon 11 of the APC gene, results from a deletion of one nucleotide at nucleotide position 1433, causing a translational frameshift with a predicted alternate stop codon (p.L478Yfs*20). This variant was reported in individual(s) with features consistent with familial adenomatous polyposis (FAP) (Ambry internal data). This variant is considered to be rare based on population cohorts in the Genome Aggregation Database (gnomAD). This alteration is expected to result in loss of function by premature protein truncation or nonsense-mediated mRNA decay. As such, this alteration is interpreted as a disease-causing mutation.

Labcorp Genetics (formerly Invitae), Labcorp
Classification: Pathogenic for Familial adenomatous polyposis 1. Last evaluated: 2025-01-11. Review status: criteria provided, single submitter. Criteria: Invitae Variant Classification Sherloc (09022015). Collection method: clinical testing. Allele origin: germline.
Comment: This sequence change creates a premature translational stop signal (p.Leu478Tyrfs*20) in the APC gene. It is expected to result in an absent or disrupted protein product. Loss-of-function variants in APC are known to be pathogenic (PMID: 17963004, 20685668). This variant is not present in population databases (gnomAD no frequency). This variant has not been reported in the literature in individuals affected with APC-related conditions. ClinVar contains an entry for this variant (Variation ID: 486782). For these reasons, this variant has been classified as Pathogenic.

Myriad Genetics, Inc.
Classification: Pathogenic for Familial adenomatous polyposis 1. Last evaluated: 2023-05-01. Review status: criteria provided, single submitter. Criteria: Myriad Autosomal Dominant, Autosomal Recessive and X-Linked Classification Criteria (2023). Collection method: clinical testing. Allele origin: unknown.
Comment: This variant is considered pathogenic. This variant creates a frameshift predicted to result in premature protein truncation.

Literature cited by the submitters: PubMed 10982189 (cited by Ambry Genetics); PubMed 17963004 (cited by Labcorp Genetics (formerly Invitae), Labcorp); PubMed 20685668 (cited by Labcorp Genetics (formerly Invitae), Labcorp).